The following is an entry in ClinVar:

NM_004006.3(DMD):c.3805C>T (p.His1269Tyr)

Gene: DMD (dystrophin; minus strand). Cytogenetic location: Xp21.1.
Variant type: single nucleotide variant.
Coding change: c.3805C>T on transcript NM_004006.3 (MANE Select); coding-DNA position 3805, C replaced by T.
Protein change: p.His1269Tyr; replaces histidine 1269 with tyrosine.
Molecular consequence: missense variant.
Genome position (GRCh38, 1-based): chrX:32,441,296, G>A on the plus strand (C>T on the coding strand, the complement: DMD is on the minus strand). VCF-style: chrX-32441296-G-A. GRCh37 (hg19) VCF-style: chrX-32459413-G-A.
Other names: c.3781C>T, p.His1261Tyr (NM_000109.4); c.3793C>T, p.His1265Tyr (NM_004009.3); c.3436C>T, p.His1146Tyr (NM_004010.3); short protein forms H1269Y, H1265Y, H1146Y, H1261Y.
Identifiers: ClinVar variation 228586 (VCV000228586.23), dbSNP rs151150099, ClinGen allele CA10379185.

ClinVar aggregate classification (germline): Conflicting classifications of pathogenicity. Review status: criteria provided, conflicting classifications (1 of 4 stars). 5 submissions from 5 submitters: Uncertain significance (2); Benign (1); Likely benign (2). Last evaluated 2025-12-24.

Conditions:
Cardiovascular phenotype. Identifiers: MedGen CN230736.
Duchenne muscular dystrophy (DMD). Also called: MUSCULAR DYSTROPHY, PSEUDOHYPERTROPHIC PROGRESSIVE, DUCHENNE TYPE; Duchenne Muscular Dystrophy (DMD). Identifiers: Orphanet 98896, MedGen C0013264, MONDO:0010679, OMIM 310200.

Allele frequency attached by ClinVar (database versions not stated): gnomAD exomes 0.00002 and 0.00004; ExAC 0.00005; gnomAD 0.00013 and 0.00014; TOPMed 0.00015; ESP Exome Variant Server 0.00028.
gnomAD v4.1: 33 of 1,205,019 alleles (0.0027%); highest among the groups gnomAD compares: African/African-American, 0.049%; no homozygotes.

Submissions (5):

Labcorp Genetics (formerly Invitae), Labcorp
Classification: Likely benign for Duchenne muscular dystrophy. Last evaluated: 2025-12-24. Review status: criteria provided, single submitter. Criteria: Invitae Variant Classification Sherloc (09022015). Collection method: clinical testing. Allele origin: germline.

Ambry Genetics
Classification: Likely benign for Cardiovascular phenotype. Last evaluated: 2024-09-22. Review status: criteria provided, single submitter. Criteria: Ambry Variant Classification Scheme 2023. Collection method: clinical testing. Allele origin: germline.

Revvity Omics, Revvity
Classification: Uncertain significance. Last evaluated: 2022-03-19. Review status: criteria provided, single submitter. Criteria: ACMG Guidelines, 2015. Collection method: clinical testing. Allele origin: germline.

GeneDx
Classification: Benign. Last evaluated: 2020-06-08. Review status: criteria provided, single submitter. Criteria: GeneDx Variant Classification Process June 2021. Collection method: clinical testing. Allele origin: germline. Affected: yes.

Laboratory for Molecular Medicine, Mass General Brigham Personalized Medicine
Classification: Uncertain significance. Last evaluated: 2015-08-24. Review status: criteria provided, single submitter. Criteria: LMM Criteria. Collection method: clinical testing. Allele origin: germline. Observed: 1 variant allele.
Comment: The p.His1269Tyr variant in DMD has not been previously reported in individuals with cardiomyopathy, but has been identified in 4/8368 African chromosomes by th e Exome Aggregation Consortium (ExAC; dbSNP rs15 1150099). Computational prediction tools and conservation analysis do not provid e strong support for or against an impact to the protein. Computational splicing tools suggest this variant may lead to the creation of a novel 5' splice site; however, this information is not predictive enough to determine pathogenicity. I n summary, the clinical significance of the p.His1269Tyr variant is uncertain.

Literature cited by the submitters: PubMed 32746448 (cited by Ambry Genetics).